The following is an entry in ClinVar:

ClinVar aggregate classification (germline): Uncertain significance (1 of 4 stars; one submission).

Conditions:
Autosomal recessive limb-girdle muscular dystrophy type 2Q (LGMDR17). Also called: MUSCULAR DYSTROPHY, LIMB-GIRDLE, AUTOSOMAL RECESSIVE 17. Identifiers: Orphanet 254361, MedGen C3150989, MONDO:0013390, OMIM 613723.
Epidermolysis bullosa simplex 5B, with muscular dystrophy (EBS5B). Also called: Epidermolysis bullosa simplex with muscular dystrophy; EPIDERMOLYSIS BULLOSA SIMPLEX AND LIMB-GIRDLE MUSCULAR DYSTROPHY. Identifiers: Orphanet 257, MedGen C2931072, MONDO:0009181, OMIM 226670.
Epidermolysis bullosa simplex, Ogna type (EBS5A). Also called: Pidermolysis bullosa simplex 5A, Ogna type; EPIDERMOLYSIS BULLOSA SIMPLEX 5A, OGNA TYPE. Identifiers: Orphanet 79401, MedGen C0432317, MONDO:0007555, OMIM 131950.
Epidermolysis bullosa simplex 5C, with pyloric atresia (EBS5C). Also called: PLEC1-Related Epidermolysis Bullosa with Pyloric Atresia; Epidermolysis bullosa simplex with pyloric atresia; PLEC-Related Epidermolysis Bullosa with Pyloric Atresia. Identifiers: Orphanet 158684, MedGen C2677349, MONDO:0012807, OMIM 612138.
Epidermolysis bullosa simplex with nail dystrophy (EBS5D). Identifiers: MedGen C4225309, MONDO:0014661, OMIM 616487.

Submission:

Labcorp Genetics (formerly Invitae), Labcorp
Classification: Uncertain significance for Autosomal recessive limb-girdle muscular dystrophy type 2Q; Epidermolysis bullosa simplex, Ogna type; Epidermolysis bullosa simplex with nail dystrophy; Epidermolysis bullosa simplex 5C, with pyloric atresia; Epidermolysis bullosa simplex 5B, with muscular dystrophy. Last evaluated: 2020-09-30. Review status: criteria provided, single submitter. Criteria: Invitae Variant Classification Sherloc (09022015). Collection method: clinical testing. Allele origin: germline.
Comment: In summary, the available evidence is currently insufficient to determine the role of this variant in disease. Therefore, it has been classified as a Variant of Uncertain Significance. Algorithms developed to predict the effect of missense changes on protein structure and function (SIFT, PolyPhen-2, Align-GVGD) all suggest that this variant is likely to be tolerated, but these predictions have not been confirmed by published functional studies and their clinical significance is uncertain. This variant has not been reported in the literature in individuals with PLEC-related conditions. ClinVar contains an entry for this variant (Variation ID: 850716). The frequency data for this variant in the population databases is considered unreliable, as metrics indicate insufficient coverage at this position in the ExAC database. This sequence change replaces alanine with glutamic acid at codon 1631 of the PLEC protein (p.Ala1631Glu). The alanine residue is moderately conserved and there is a moderate physicochemical difference between alanine and glutamic acid.

NM_201384.3(PLEC):c.4811C>A (p.Ala1604Glu)

Gene: PLEC (plectin; minus strand). Cytogenetic location: 8q24.3.
Variant type: single nucleotide variant.
Coding change: c.4811C>A on transcript NM_201384.3 (MANE Select); coding-DNA position 4811, C replaced by A.
Protein change: p.Ala1604Glu; replaces alanine 1604 with glutamic acid.
Molecular consequence: missense variant.
Genome position (GRCh38, 1-based): chr8:143,925,118, G>T on the plus strand (C>A on the coding strand, the complement: PLEC is on the minus strand). VCF-style: chr8-143925118-G-T. GRCh37 (hg19) VCF-style: chr8-144999286-G-T.
Other names: c.4892C>A, p.Ala1631Glu (NM_000445.5); c.4769C>A, p.Ala1590Glu (NM_201378.4); c.4745C>A, p.Ala1582Glu (NM_201379.3); c.5222C>A, p.Ala1741Glu (NM_201380.4); c.4715C>A, p.Ala1572Glu (NM_201381.3); c.4811C>A, p.Ala1604Glu (NM_201382.4); c.4823C>A, p.Ala1608Glu (NM_201383.3); short protein forms A1741E, A1590E, A1608E, A1572E, A1582E, A1604E, A1631E.
Identifiers: ClinVar variation 850716 (VCV000850716.7), dbSNP rs1554700789, ClinGen allele CA372552745.